The following is an entry in ClinVar:

NM_000179.3(MSH6):c.484G>C (p.Gly162Arg)

Gene: MSH6 (mutS homolog 6; plus strand). Cytogenetic location: 2p16.3.
Variant type: single nucleotide variant.
Coding change: c.484G>C on transcript NM_000179.3 (MANE Select); coding-DNA position 484, G replaced by C.
Protein change: p.Gly162Arg; replaces glycine 162 with arginine.
Molecular consequence: missense variant. On other transcripts: 5 prime UTR variant (1), intron variant (2).
Genome position (GRCh38, 1-based): chr2:47,795,920, G>C. VCF-style: chr2-47795920-G-C. GRCh37 (hg19) VCF-style: chr2-48023059-G-C.
Other names: c.-419G>C (NM_001281494.2); c.580G>C, p.Gly194Arg (NM_001406795.1, NM_001406802.1); c.484G>C, p.Gly162Arg (NM_001406796.1, NM_001406798.1, NM_001406800.1 and 5 more transcripts); c.187G>C, p.Gly63Arg (NM_001406797.1, NM_001406801.1, NM_001406805.1 and 10 more transcripts); c.-42G>C (NM_001406799.1, NM_001406806.1, NM_001406807.1); c.406G>C, p.Gly136Arg (NM_001406804.1); c.490G>C, p.Gly164Arg (NM_001406813.1); c.-511G>C (NM_001406814.1); and 3 more; short protein forms G106R, G136R, G162R, G164R, G194R, G63R.
Identifiers: ClinVar variation 1716005 (VCV001716005.6), dbSNP rs1183989693, ClinGen allele CA346738612.

ClinVar aggregate classification (germline): Uncertain significance (1 of 4 stars; one submission).

Conditions:
Hereditary nonpolyposis colorectal neoplasms. Identifiers: MedGen C0009405, MeSH D003123.

Submission:

Labcorp Genetics (formerly Invitae), Labcorp
Classification: Uncertain significance for Hereditary nonpolyposis colorectal neoplasms. Last evaluated: 2025-05-18. Review status: criteria provided, single submitter. Criteria: Invitae Variant Classification Sherloc (09022015). Collection method: clinical testing. Allele origin: germline.
Comment: This sequence change replaces glycine, which is neutral and non-polar, with arginine, which is basic and polar, at codon 162 of the MSH6 protein (p.Gly162Arg). This variant is not present in population databases (gnomAD no frequency). This variant has not been reported in the literature in individuals affected with MSH6-related conditions. ClinVar contains an entry for this variant (Variation ID: 1716005). Invitae Evidence Modeling of protein sequence and biophysical properties (such as structural, functional, and spatial information, amino acid conservation, physicochemical variation, residue mobility, and thermodynamic stability) indicates that this missense variant is not expected to disrupt MSH6 protein function with a negative predictive value of 95%. In summary, the available evidence is currently insufficient to determine the role of this variant in disease. Therefore, it has been classified as a Variant of Uncertain Significance.